The following is an entry in ClinVar:

ClinVar aggregate classification (germline): Benign/Likely benign. Review status: criteria provided, multiple submitters, no conflicts (2 of 4 stars). 3 submissions from 3 submitters: Benign (1); Likely benign (2). Last evaluated 2025-08-17.

Conditions:
Hereditary cancer-predisposing syndrome. Also called: Neoplastic Syndromes, Hereditary; Hereditary Cancer Syndrome; Tumor predisposition; Hereditary neoplastic syndrome. Identifiers: Orphanet 140162, MedGen C0027672, MeSH D009386, MONDO:0015356.
Melanoma, cutaneous malignant, susceptibility to, 3. Also called: Cutaneous malignant melanoma 3. Identifiers: Orphanet 618, MedGen C1836892, MONDO:0012183, OMIM 609048.
Familial melanoma. Also called: Hereditary melanoma; Hereditary cutaneous melanoma. Identifiers: Orphanet 618, MedGen C1512419, MONDO:0018961.

Allele frequency attached by ClinVar (database versions not stated): gnomAD exomes below 0.00001; gnomAD 0.00001; TOPMed 0.00001.
gnomAD v4.1: 2 of 1,613,872 alleles (0.00012%); highest among the groups gnomAD compares: East Asian, 0.0045%; no homozygotes.

Submissions (3):

Labcorp Genetics (formerly Invitae), Labcorp
Classification: Likely benign for Familial melanoma. Last evaluated: 2025-08-17. Review status: criteria provided, single submitter. Criteria: Invitae Variant Classification Sherloc (09022015). Collection method: clinical testing. Allele origin: germline.

Myriad Genetics, Inc.
Classification: Benign for Melanoma, cutaneous malignant, susceptibility to, 3. Last evaluated: 2024-09-26. Review status: criteria provided, single submitter. Criteria: Myriad Autosomal Dominant, Autosomal Recessive and X-Linked Classification Criteria (2023). Collection method: clinical testing. Allele origin: unknown.
Comment: This variant is considered benign. This variant is a silent/synonymous amino acid change and it is not expected to impact splicing.

Ambry Genetics
Classification: Likely benign for Hereditary cancer-predisposing syndrome. Last evaluated: 2018-07-13. Review status: criteria provided, single submitter. Criteria: Ambry Variant Classification Scheme 2023. Collection method: clinical testing. Allele origin: germline.

NM_000075.4(CDK4):c.597T>C (p.Ser199=)

Gene: CDK4 (cyclin dependent kinase 4; minus strand). Cytogenetic location: 12q14.1.
Variant type: single nucleotide variant.
Coding change: c.597T>C on transcript NM_000075.4 (MANE Select); coding-DNA position 597, T replaced by C.
Protein change: p.Ser199=; no amino-acid change (serine 199 retained).
Molecular consequence: synonymous variant.
Genome position (GRCh38, 1-based): chr12:57,750,691, A>G on the plus strand (T>C on the coding strand, the complement: CDK4 is on the minus strand). VCF-style: chr12-57750691-A-G. GRCh37 (hg19) VCF-style: chr12-58144474-A-G.
Identifiers: ClinVar variation 770189 (VCV000770189.13), dbSNP rs1260582581, ClinGen allele CA480301094.